The following is an entry in ClinVar:

ClinVar aggregate classification (germline): Conflicting classifications of pathogenicity. Review status: criteria provided, conflicting classifications (1 of 4 stars). 3 submissions from 3 submitters: Uncertain significance (1); Likely benign (2). Last evaluated 2025-06-12.

Conditions:
Inborn genetic diseases. Identifiers: MedGen C0950123, MeSH D030342.

Allele frequency attached by ClinVar (database versions not stated): gnomAD exomes 0.00002 and 0.00005; ExAC 0.00006; gnomAD 0.00022 and 0.00026; TOPMed 0.00022; ESP Exome Variant Server 0.00025.
gnomAD v4.1: 62 of 1,587,038 alleles (0.0039%); highest among the groups gnomAD compares: African/African-American, 0.074%; no homozygotes.

Submissions (3):

Labcorp Genetics (formerly Invitae), Labcorp
Classification: Uncertain significance. Last evaluated: 2025-06-12. Review status: criteria provided, single submitter. Criteria: Invitae Variant Classification Sherloc (09022015). Collection method: clinical testing. Allele origin: germline.
Comment: This sequence change replaces glycine, which is neutral and non-polar, with arginine, which is basic and polar, at codon 865 of the KIAA0753 protein (p.Gly865Arg). This variant is present in population databases (rs371289252, gnomAD 0.08%). This variant has not been reported in the literature in individuals affected with KIAA0753-related conditions. ClinVar contains an entry for this variant (Variation ID: 1425418). An algorithm developed to predict the effect of missense changes on protein structure and function outputs the following: PolyPhen-2: "Benign". The arginine amino acid residue is found in multiple mammalian species, which suggests that this missense change does not adversely affect protein function. In summary, the available evidence is currently insufficient to determine the role of this variant in disease. Therefore, it has been classified as a Variant of Uncertain Significance.

Ambry Genetics
Classification: Likely benign for Inborn genetic diseases. Last evaluated: 2023-05-04. Review status: criteria provided, single submitter. Criteria: Ambry Variant Classification Scheme 2023. Collection method: clinical testing. Allele origin: germline.

Blueprint Genetics
Classification: Likely benign. Last evaluated: 2022-11-30. Review status: criteria provided, single submitter. Criteria: ACMG Guidelines, 2015. Collection method: clinical testing. Allele origin: germline.

NM_014804.3(KIAA0753):c.2593G>A (p.Gly865Arg)

Gene: KIAA0753 (KIAA0753; minus strand). Cytogenetic location: 17p13.1.
Variant type: single nucleotide variant.
Coding change: c.2593G>A on transcript NM_014804.3 (MANE Select); coding-DNA position 2593, G replaced by A.
Protein change: p.Gly865Arg; replaces glycine 865 with arginine.
Molecular consequence: missense variant. On other transcripts: non-coding transcript variant (3).
Genome position (GRCh38, 1-based): chr17:6,589,972, C>T on the plus strand (G>A on the coding strand, the complement: KIAA0753 is on the minus strand). VCF-style: chr17-6589972-C-T. GRCh37 (hg19) VCF-style: chr17-6493292-C-T.
Other names: c.1696G>A, p.Gly566Arg (NM_001351225.2); c.2593G>A (NM_014804.2); short protein forms G566R, G865R.
Identifiers: ClinVar variation 1425418 (VCV001425418.10), dbSNP rs371289252, ClinGen allele CA8330102.